The following is an entry in ClinVar:

NM_001330239.4(TJP1):c.4161G>T (p.Ala1387=)

Gene: TJP1 (tight junction protein 1; minus strand). Cytogenetic location: 15q13.1.
Variant type: single nucleotide variant.
Coding change: c.4161G>T on transcript NM_001330239.4 (MANE Select); coding-DNA position 4161, G replaced by T.
Protein change: p.Ala1387=; no amino-acid change (alanine 1387 retained).
Molecular consequence: synonymous variant.
Genome position (GRCh38, 1-based): chr15:29,716,652, C>A on the plus strand (G>T on the coding strand, the complement: TJP1 is on the minus strand). VCF-style: chr15-29716652-C-A. GRCh37 (hg19) VCF-style: chr15-30008856-C-A.
Other names: c.4440G>T, p.Ala1480= (NM_001301025.3, NM_001355012.2); c.3933G>T, p.Ala1311= (NM_001301026.2); c.4173G>T, p.Ala1391= (NM_001355013.1); c.4161G>T, p.Ala1387= (NM_001355014.2, NM_003257.5); c.3921G>T, p.Ala1307= (NM_001355015.2, NM_175610.4).
Identifiers: ClinVar variation 3060817 (VCV003060817.2), dbSNP rs7166878, ClinGen allele CA7446587.

ClinVar aggregate classification (germline): Benign (0 of 4 stars; one submission).

Conditions:
TJP1-related disorder. Also called: TJP1-related condition.

Allele frequency attached by ClinVar (database versions not stated): 1000 Genomes Project 30x 0.99813; 1000 Genomes Project 0.99840; TOPMed 0.99866; gnomAD 0.99881; ESP Exome Variant Server 0.99924; ExAC 0.99969; gnomAD exomes 0.99987.
gnomAD v4.1: 1,613,494 of 1,613,866 alleles (100%); highest among the groups gnomAD compares: East Asian, 100%; 806,562 homozygotes.

Submission:

PreventionGenetics, part of Exact Sciences
Classification: Benign for TJP1-related condition. Last evaluated: 2019-09-24. Review status: no assertion criteria provided. Collection method: clinical testing. Allele origin: germline.
Comment: This variant is classified as benign based on ACMG/AMP sequence variant interpretation guidelines (Richards et al. 2015 PMID: 25741868, with internal and published modifications).